The following is an entry in ClinVar:

NM_001182.5(ALDH7A1):c.1490-283C>T

Gene: ALDH7A1 (aldehyde dehydrogenase 7 family member A1; minus strand). Cytogenetic location: 5q23.2.
Variant type: single nucleotide variant.
Coding change: c.1490-283C>T on transcript NM_001182.5 (MANE Select); 283 bases into the intron before coding-DNA position 1490, C replaced by T.
Molecular consequence: intron variant.
Genome position (GRCh38, 1-based): chr5:126,546,682, G>A on the plus strand (C>T on the coding strand, the complement: ALDH7A1 is on the minus strand). VCF-style: chr5-126546682-G-A. GRCh37 (hg19) VCF-style: chr5-125882374-G-A.
Other names: c.1298-283C>T (NM_001202404.2); c.1406-283C>T (NM_001201377.2).
Identifiers: ClinVar variation 671074 (VCV000671074.1), dbSNP rs6898845, ClinGen allele CA126883316.

ClinVar aggregate classification (germline): Benign (1 of 4 stars; one submission).

Allele frequency attached by ClinVar (database versions not stated): gnomAD 0.02031 and 0.02195; 1000 Genomes Project 30x 0.02249; TOPMed 0.02252; 1000 Genomes Project 0.02256.
gnomAD v4.1: 3,043 of 151,618 alleles (2%); highest among the groups gnomAD compares: African/African-American, 7%; 117 homozygotes.

Submission:

GeneDx
Classification: Benign. Last evaluated: 2018-06-14. Review status: criteria provided, single submitter. Criteria: GeneDx Variant Classification (06012015). Collection method: clinical testing. Allele origin: germline. Affected: yes.
Comment: This variant is considered likely benign or benign based on one or more of the following criteria: it is a conservative change, it occurs at a poorly conserved position in the protein, it is predicted to be benign by multiple in silico algorithms, and/or has population frequency not consistent with disease.